The following is an entry in ClinVar:

ClinVar aggregate classification (germline): Benign. Review status: criteria provided, multiple submitters, no conflicts (2 of 4 stars). 7 submissions from 7 submitters: Benign (5). 2 of the submissions do not count toward it. Last evaluated 2026-02-04.

Conditions:
Nemaline myopathy 2 (NEM2). Also called: Nemaline myopathy 2, autosomal recessive. Identifiers: MedGen C1850569, MONDO:0009725, OMIM 256030.

Allele frequency attached by ClinVar (database versions not stated): gnomAD 0.01001 and 0.01075; 1000 Genomes Project 0.01058; ESP Exome Variant Server 0.01108; TOPMed 0.01117; 1000 Genomes Project 30x 0.01140.
gnomAD v4.1: 3,276 of 1,602,128 alleles (0.2%); highest among the groups gnomAD compares: African/African-American, 3.4%; 60 homozygotes.

Submissions (7):

Labcorp Genetics (formerly Invitae), Labcorp
Classification: Benign for Nemaline myopathy 2. Last evaluated: 2026-02-04. Review status: criteria provided, single submitter. Criteria: Invitae Variant Classification Sherloc (09022015). Collection method: clinical testing. Allele origin: germline.

Women's Health and Genetics/Laboratory Corporation of America, LabCorp
Classification: Benign. Last evaluated: 2023-03-20. Review status: criteria provided, single submitter. Criteria: LabCorp Variant Classification Summary - May 2015. Collection method: clinical testing. Allele origin: germline.
Comment: Variant summary: NEB c.5763+4C>T alters a nonconserved nucleotide located close to a canonical splice site and therefore could affect mRNA splicing, leading to a significantly altered protein sequence, however one in silico tool predict no impact on normal splicing. The variant allele was found at a frequency of 0.0099 in 150906 control chromosomes, predominantly within the African or African-American subpopulation at a frequency of 0.033 in the gnomAD database, including 29 homozygotes. The observed variant frequency within African or African-American control individuals in the gnomAD database is approximately 9-fold of the estimated maximal expected allele frequency for a pathogenic variant in NEB causing Nemaline Myopathy 2 phenotype (0.0035), strongly suggesting that the variant is a benign polymorphism found primarily in populations of African or African-American origin. To our knowledge, no occurrence of c.5763+4C>T in individuals affected with Nemaline Myopathy 2 and no experimental evidence demonstrating its impact on protein function have been reported. Four clinical diagnostic laboratories have submitted clinical-significance assessments for this variant to ClinVar after 2014, and all laboratories classified the variant as benign. Based on the evidence outlined above, the variant was classified as benign.

Mayo Clinic Laboratories, Mayo Clinic
Classification: Benign. Last evaluated: 2018-07-10. Review status: criteria provided, single submitter. Criteria: ACMG Guidelines, 2015. Collection method: clinical testing. Allele origin: germline. Observed: 8 variant alleles.

Illumina Laboratory Services, Illumina
Classification: Benign for Nemaline myopathy 2. Last evaluated: 2017-04-27. Review status: criteria provided, single submitter. Criteria: ICSL Variant Classification Criteria 13 December 2019. Collection method: clinical testing. Allele origin: germline.
Comment: This variant was observed as part of a predisposition screen in an ostensibly healthy population. A literature search was performed for the gene, cDNA change, and amino acid change (where applicable). No publications were found based on this search. Allele frequency data from public databases was too high to be consistent with this variant causing disease. Therefore, this variant is classified as benign.

GeneDx
Classification: Benign. Last evaluated: 2016-05-20. Review status: criteria provided, single submitter. Criteria: GeneDx Variant Classification (06012015). Collection method: clinical testing. Allele origin: germline. Affected: yes.
Comment: This variant is considered likely benign or benign based on one or more of the following criteria: it is a conservative change, it occurs at a poorly conserved position in the protein, it is predicted to be benign by multiple in silico algorithms, and/or has population frequency not consistent with disease.

Natera, Inc.
Classification: Benign for Nemaline myopathy type 2. Last evaluated: 2020-09-16. Review status: no assertion criteria provided. Collection method: clinical testing. Allele origin: germline. Not counted in ClinVar's aggregate classification.

Genetic Services Laboratory, University of Chicago
Classification: Likely benign for AllHighlyPenetrant. Review status: no assertion criteria provided. Collection method: clinical testing. Allele origin: germline. Inheritance: Autosomal recessive inheritance. Not counted in ClinVar's aggregate classification.
Comment: Likely benign based on allele frequency in 1000 Genomes Project or ESP global frequency and its presence in a patient with a rare or unrelated disease phenotype. NOT Sanger confirmed.

NM_001164508.2(NEB):c.5763+4C>T

Gene: NEB (nebulin; minus strand). Cytogenetic location: 2q23.3.
Variant type: single nucleotide variant.
Coding change: c.5763+4C>T on transcript NM_001164508.2 (MANE Select); 4 bases into the intron after coding-DNA position 5763, C replaced by T.
Molecular consequence: intron variant.
Genome position (GRCh38, 1-based): chr2:151,663,544, G>A on the plus strand (C>T on the coding strand, the complement: NEB is on the minus strand). VCF-style: chr2-151663544-G-A. GRCh37 (hg19) VCF-style: chr2-152520058-G-A.
Other names: p.?; c.5763+4C>T (NM_004543.5, NM_001164507.2, NM_001271208.2).
Identifiers: ClinVar variation 129750 (VCV000129750.23), dbSNP rs78916288, ClinGen allele CA154012.